The following is an entry in ClinVar:

NM_001034853.2(RPGR):c.2825_2970del (p.Glu942fs)

Gene: RPGR (retinitis pigmentosa GTPase regulator; minus strand). Cytogenetic location: Xp11.4.
Variant type: Deletion.
Coding change: c.2825_2970del on transcript NM_001034853.2 (MANE Select); coding-DNA positions 2825 to 2970, 146 bases deleted.
Protein change: p.Glu942fs; shifts the reading frame from glutamic acid 942.
Molecular consequence: frameshift variant. On other transcripts: intron variant (8).
Genome position (GRCh38, 1-based): chrX:38,286,029-38,286,174, 146 bases deleted. GRCh37 (hg19): chrX:38,145,287-38,145,432.
Other names: c.1569+4785_1569+4930del (NM_001367249.1, NM_001367250.1); c.1902+920_1902+1065del (NM_001367245.1); c.1386+4785_1386+4930del (NM_001367251.1); c.1719+920_1719+1065del (NM_001367246.1); c.1572+4785_1572+4930del (NM_001367247.1); c.1905+920_1905+1065del (NM_000328.3); c.1602+4785_1602+4930del (NM_001367248.1); short protein forms E942fs.
Identifiers: ClinVar variation 2747881 (VCV002747881.3), dbSNP rs2519784068, ClinGen allele CA2697553045.

ClinVar aggregate classification (germline): Pathogenic (1 of 4 stars; one submission).

Conditions:
Primary ciliary dyskinesia. Also called: Ciliary dyskinesia. Identifiers: Orphanet 244, MedGen C0008780, MONDO:0016575, HP:0012265.

Submission:

Labcorp Genetics (formerly Invitae), Labcorp
Classification: Pathogenic for Primary ciliary dyskinesia. Last evaluated: 2023-10-10. Review status: criteria provided, single submitter. Criteria: Invitae Variant Classification Sherloc (09022015). Collection method: clinical testing. Allele origin: germline.
Comment: This sequence change creates a premature translational stop signal (p.Glu942Glyfs*88) in the RPGR (ORF15) gene. While this is not anticipated to result in nonsense mediated decay, it is expected to disrupt the last 211 amino acid(s) of the RPGR (ORF15) protein. The frequency data for this variant in the population databases is considered unreliable, as metrics indicate insufficient coverage at this position in the gnomAD database. This variant has not been reported in the literature in individuals affected with RPGR (ORF15)-related conditions. This variant disrupts a region of the RPGR (ORF15) protein in which other variant(s) (p.Leu1130Lysfs*13) have been determined to be pathogenic (PMID: 16969763, 18552978, 22264887, 31645972). This suggests that this is a clinically significant region of the protein, and that variants that disrupt it are likely to be disease-causing. For these reasons, this variant has been classified as Pathogenic.

Literature cited by the submitters: PubMed 16969763; PubMed 18552978; PubMed 22264887; PubMed 31645972.